The following is an entry in ClinVar:

NM_017433.5(MYO3A):c.610G>A (p.Asp204Asn)

Gene: MYO3A (myosin IIIA; plus strand). Cytogenetic location: 10p12.1.
Variant type: single nucleotide variant.
Coding change: c.610G>A on transcript NM_017433.5 (MANE Select); coding-DNA position 610, G replaced by A.
Protein change: p.Asp204Asn; replaces aspartic acid 204 with asparagine.
Molecular consequence: missense variant.
Genome position (GRCh38, 1-based): chr10:26,021,527, G>A. VCF-style: chr10-26021527-G-A. GRCh37 (hg19) VCF-style: chr10-26310456-G-A.
Other names: c.610G>A, p.Asp204Asn (NM_001368265.1); short protein forms D204N.
Identifiers: ClinVar variation 299646 (VCV000299646.18), dbSNP rs3737274, ClinGen allele CA5444383.
Genomic context (GRCh38, chr10:26,021,527, plus strand): 5'-CAAATTTCACCTTTTGATGGTGTGGTTTTCTACTAGGTGATTGCATGTGAACAGCAATTG[G>A]ATACCACTTATGACGCCAGATGTGACACTTGGTCCCTGGGTATCACGGCCATTGAGCTGG-3'
Protein context (NP_059129.3, residues 194-214): PEVIACEQQL[Asp204Asn]TTYDARCDTW

ClinVar aggregate classification (germline): Conflicting classifications of pathogenicity. Review status: criteria provided, conflicting classifications (1 of 4 stars). 4 submissions from 4 submitters: Uncertain significance (2); Likely benign (2). Last evaluated 2026-01-15.

Conditions:
Autosomal recessive nonsyndromic hearing loss 30. Identifiers: Orphanet 90636, MedGen C1846784, MONDO:0011774, OMIM 607101.

Allele frequency attached by ClinVar (database versions not stated): gnomAD 0.00009 and 0.00017; TOPMed 0.00010; ExAC 0.00025; gnomAD exomes 0.00025 and 0.00026; 1000 Genomes Project 30x 0.00141; 1000 Genomes Project 0.00160.
gnomAD v4.1: 385 of 1,614,100 alleles (0.024%); highest among the groups gnomAD compares: East Asian, 0.84%; 7 homozygotes.

Submissions (4):

Labcorp Genetics (formerly Invitae), Labcorp
Classification: Likely benign. Last evaluated: 2026-01-15. Review status: criteria provided, single submitter. Criteria: Invitae Variant Classification Sherloc (09022015). Collection method: clinical testing. Allele origin: germline.

Women's Health and Genetics/Laboratory Corporation of America, LabCorp
Classification: Likely benign. Last evaluated: 2025-10-29. Review status: criteria provided, single submitter. Criteria: LabCorp Variant Classification Summary - May 2015. Collection method: clinical testing. Allele origin: germline.
Comment: Variant summary: MYO3A c.610G>A (p.Asp204Asn) results in a conservative amino acid change in the encoded protein sequence. Algorithms developed to predict the effect of missense changes on protein structure and function are either unavailable or do not agree on the potential impact of this missense change. The variant allele was found at a frequency of 0.00025 in 251390 control chromosomes, predominantly at a frequency of 0.0033 within the East Asian subpopulation in the gnomAD database. The observed variant frequency within East Asian control individuals in the gnomAD database exceeds the estimated maximal expected allele frequency for disease-causing variants in MYO3A. c.610G>A has been observed with variants in another gene in an individual affected with Autosomal Recessive Nonsyndromic Hearing Loss 30 (Liu_2022). These report(s) do not provide unequivocal conclusions about association of the variant with Autosomal Recessive Nonsyndromic Hearing Loss 30. To our knowledge, no experimental evidence demonstrating an impact on protein function has been reported. The following publication have been ascertained in the context of this evaluation (PMID: 35114279). ClinVar contains an entry for this variant (Variation ID: 299646). Based on the evidence outlined above, the variant was classified as likely benign.

GeneDx
Classification: Uncertain significance. Last evaluated: 2022-03-19. Review status: criteria provided, single submitter. Criteria: GeneDx Variant Classification Process June 2021. Collection method: clinical testing. Allele origin: germline. Affected: yes.
Comment: Reported in a patient with prelingual hearing loss in published literature (Liu et al., 2022); this patient was also noted to have variants in other genes; In silico analysis supports that this missense variant has a deleterious effect on protein structure/function; This variant is associated with the following publications: (PMID: 35114279)

Illumina Laboratory Services, Illumina
Classification: Uncertain significance for Autosomal recessive nonsyndromic hearing loss 30. Last evaluated: 2018-01-12. Review status: criteria provided, single submitter. Criteria: ICSL Variant Classification Criteria 13 December 2019. Collection method: clinical testing. Allele origin: germline.

Literature cited by the submitters: PubMed 35114279 (cited by Women's Health and Genetics/Laboratory Corporation of America, LabCorp).